The following is an entry in ClinVar:

NM_001098.3(ACO2):c.1032+284T>G

Gene: ACO2 (aconitase 2; plus strand). Cytogenetic location: 22q13.2.
Variant type: single nucleotide variant.
Coding change: c.1032+284T>G on transcript NM_001098.3 (MANE Select); 284 bases into the intron after coding-DNA position 1032, T replaced by G.
Molecular consequence: intron variant.
Genome position (GRCh38, 1-based): chr22:41,518,856, T>G. VCF-style: chr22-41518856-T-G. GRCh37 (hg19) VCF-style: chr22-41914860-T-G.
Identifiers: ClinVar variation 683113 (VCV000683113.1), dbSNP rs203318, ClinGen allele CA14976817.

ClinVar aggregate classification (germline): Benign (1 of 4 stars; one submission).

Allele frequency attached by ClinVar (database versions not stated): gnomAD 0.38004; TOPMed 0.43391; 1000 Genomes Project 0.52915; 1000 Genomes Project 30x 0.53841.
gnomAD v4.1: 60,405 of 151,800 alleles (40%); highest among the groups gnomAD compares: African/African-American, 70%; 15,598 homozygotes.

Submission:

GeneDx
Classification: Benign. Last evaluated: 2018-06-14. Review status: criteria provided, single submitter. Criteria: GeneDx Variant Classification (06012015). Collection method: clinical testing. Allele origin: germline. Affected: yes.
Comment: This variant is considered likely benign or benign based on one or more of the following criteria: it is a conservative change, it occurs at a poorly conserved position in the protein, it is predicted to be benign by multiple in silico algorithms, and/or has population frequency not consistent with disease.